The following is an entry in ClinVar:

ClinVar aggregate classification (germline): Uncertain significance (1 of 4 stars; one submission).

Submission:

Labcorp Genetics (formerly Invitae), Labcorp
Classification: Uncertain significance. Last evaluated: 2024-05-02. Review status: criteria provided, single submitter. Criteria: Invitae Variant Classification Sherloc (09022015). Collection method: clinical testing. Allele origin: germline.
Comment: This sequence change replaces alanine, which is neutral and non-polar, with valine, which is neutral and non-polar, at codon 550 of the STAG2 protein (p.Ala550Val). This variant is not present in population databases (gnomAD no frequency). This variant has not been reported in the literature in individuals affected with STAG2-related conditions. Advanced modeling of protein sequence and biophysical properties (such as structural, functional, and spatial information, amino acid conservation, physicochemical variation, residue mobility, and thermodynamic stability) performed at Invitae indicates that this missense variant is not expected to disrupt STAG2 protein function with a negative predictive value of 80%. In summary, the available evidence is currently insufficient to determine the role of this variant in disease. Therefore, it has been classified as a Variant of Uncertain Significance.

NM_001042750.2(STAG2):c.1649C>T (p.Ala550Val)

Gene: STAG2 (STAG2 cohesin complex component; plus strand). Cytogenetic location: Xq25.
Variant type: single nucleotide variant.
Coding change: c.1649C>T on transcript NM_001042750.2 (MANE Select); coding-DNA position 1649, C replaced by T.
Protein change: p.Ala550Val; replaces alanine 550 with valine.
Molecular consequence: missense variant.
Genome position (GRCh38, 1-based): chrX:124,062,912, C>T. VCF-style: chrX-124062912-C-T. GRCh37 (hg19) VCF-style: chrX-123196762-C-T.
Other names: c.1649C>T, p.Ala550Val (NM_001375377.1, NM_006603.5, NM_001042749.2 and 13 more transcripts); short protein forms A550V.
Identifiers: ClinVar variation 3651934 (VCV003651934.2).